The following is an entry in ClinVar:

ClinVar aggregate classification (germline): Uncertain significance (1 of 4 stars; one submission).

Conditions:
Perlman syndrome (PRLMNS). Identifiers: Orphanet 2849, MedGen C0796113, MONDO:0009965, OMIM 267000.

Allele frequency attached by ClinVar (database versions not stated): TOPMed below 0.00001.
gnomAD v4.1: 10 of 1,607,892 alleles (0.00062%); highest among the groups gnomAD compares: Non-Finnish European, 0.00085%; no homozygotes.

Submission:

Labcorp Genetics (formerly Invitae), Labcorp
Classification: Uncertain significance for Perlman syndrome. Last evaluated: 2023-09-25. Review status: criteria provided, single submitter. Criteria: Invitae Variant Classification Sherloc (09022015). Collection method: clinical testing. Allele origin: germline.
Comment: ClinVar contains an entry for this variant (Variation ID: 2064978). This sequence change replaces aspartic acid, which is acidic and polar, with tyrosine, which is neutral and polar, at codon 876 of the DIS3L2 protein (p.Asp876Tyr). This variant is not present in population databases (gnomAD no frequency). This variant has not been reported in the literature in individuals affected with DIS3L2-related conditions. Experimental studies and prediction algorithms are not available or were not evaluated, and the functional significance of this variant is currently unknown. In summary, the available evidence is currently insufficient to determine the role of this variant in disease. Therefore, it has been classified as a Variant of Uncertain Significance.

NM_152383.5(DIS3L2):c.2626G>T (p.Asp876Tyr)

Gene: DIS3L2 (DIS3 like 3'-5' exoribonuclease 2; plus strand). Cytogenetic location: 2q37.1.
Variant type: single nucleotide variant.
Coding change: c.2626G>T on transcript NM_152383.5 (MANE Select); coding-DNA position 2626, G replaced by T.
Protein change: p.Asp876Tyr; replaces aspartic acid 876 with tyrosine.
Molecular consequence: missense variant. On other transcripts: non-coding transcript variant (2), intron variant (1).
Genome position (GRCh38, 1-based): chr2:232,336,598, G>T. VCF-style: chr2-232336598-G-T. GRCh37 (hg19) VCF-style: chr2-233201308-G-T.
Other names: c.1582-6747G>T (NM_001257281.2); short protein forms D876Y.
Identifiers: ClinVar variation 2064978 (VCV002064978.4), dbSNP rs754326555, ClinGen allele CA66932642.